The following is an entry in ClinVar:

ClinVar aggregate classification (germline): Conflicting classifications of pathogenicity. Review status: criteria provided, conflicting classifications (1 of 4 stars). 3 submissions from 3 submitters: Likely pathogenic (1); Uncertain significance (2). Last evaluated 2026-04-24.

Conditions:
Galactosylceramide beta-galactosidase deficiency. Also called: Krabbe Disease; Leukodystrophy, Globoid Cell; GALACTOCEREBROSIDASE DEFICIENCY; GALC DEFICIENCY; GLOBOID CELL LEUKOENCEPHALOPATHY. Identifiers: Orphanet 487, MedGen C0023521, MONDO:0009499, OMIM 245200.

Allele frequency attached by ClinVar (database versions not stated): TOPMed 0.00001.
gnomAD v4.1: 9 of 1,553,216 alleles (0.00058%); highest among the groups gnomAD compares: African/African-American, 0.0014%; no homozygotes.

Submissions (3):

Myriad Genetics, Inc.
Classification: Uncertain significance for Galactosylceramide beta-galactosidase deficiency. Last evaluated: 2026-04-24. Review status: criteria provided, single submitter. Criteria: Myriad Autosomal Dominant, Autosomal Recessive and X-Linked Classification Criteria (2023). Collection method: clinical testing. Allele origin: unknown.
Comment: NM_000153.3(GALC):c.136G>C(D46H) is a missense variant classified as a variant of uncertain significance in the context of Krabbe disease. D46H has not been observed in cases with relevant disease. Relevant functional assessments of this variant are not available in the literature. D46H has been observed in referenced population frequency databases. In summary, there is insufficient evidence to classify NM_000153.3(GALC):c.136G>C(D46H) as pathogenic or benign. Please note: this variant was assessed in the context of healthy population screening.

Labcorp Genetics (formerly Invitae), Labcorp
Classification: Likely pathogenic for Galactosylceramide beta-galactosidase deficiency. Last evaluated: 2026-01-14. Review status: criteria provided, single submitter. Criteria: Invitae Variant Classification Sherloc (09022015). Collection method: clinical testing. Allele origin: germline.
Comment: This sequence change replaces aspartic acid, which is acidic and polar, with histidine, which is basic and polar, at codon 46 of the GALC protein (p.Asp46His). This variant is present in population databases (rs751975987, gnomAD 0.001%). This variant has not been reported in the literature in individuals affected with GALC-related conditions. ClinVar contains an entry for this variant (Variation ID: 884608). Invitae Evidence Modeling of protein sequence and biophysical properties (such as structural, functional, and spatial information, amino acid conservation, physicochemical variation, residue mobility, and thermodynamic stability) indicates that this missense variant is expected to disrupt GALC protein function with a positive predictive value of 95%. This variant disrupts the p.Asp46 amino acid residue in GALC. Other variant(s) that disrupt this residue have been determined to be pathogenic (PMID: 24078576, 28598007, 31185936). This suggests that this residue is clinically significant, and that variants that disrupt this residue are likely to be disease-causing. In summary, the currently available evidence indicates that the variant is pathogenic, but additional data are needed to prove that conclusively. Therefore, this variant has been classified as Likely Pathogenic.

Illumina Laboratory Services, Illumina
Classification: Uncertain significance for Galactosylceramide beta-galactosidase deficiency. Last evaluated: 2017-04-27. Review status: criteria provided, single submitter. Criteria: ICSL Variant Classification Criteria 13 December 2019. Collection method: clinical testing. Allele origin: germline.

Literature cited by the submitters: PubMed 24078576 (cited by Labcorp Genetics (formerly Invitae), Labcorp); PubMed 28598007 (cited by Labcorp Genetics (formerly Invitae), Labcorp); PubMed 31185936 (cited by Labcorp Genetics (formerly Invitae), Labcorp).

NM_000153.4(GALC):c.136G>C (p.Asp46His)

Genes: GALC (galactosylceramidase; minus strand), LOC130056217 (ATAC-STARR-seq lymphoblastoid silent region 5988; plus strand). Cytogenetic location: 14q31.3.
Variant type: single nucleotide variant.
Coding change: c.136G>C on transcript NM_000153.4 (MANE Select); coding-DNA position 136, G replaced by C.
Protein change: p.Asp46His; replaces aspartic acid 46 with histidine.
Molecular consequence: missense variant. On other transcripts: intron variant (1).
Genome position (GRCh38, 1-based): chr14:87,993,029, C>G on the plus strand (G>C on the coding strand, the complement: GALC is on the minus strand). VCF-style: chr14-87993029-C-G. GRCh37 (hg19) VCF-style: chr14-88459373-C-G.
Other names: c.136G>C, p.Asp46His (NM_001201401.2); c.117+354G>C (NM_001201402.2); short protein forms D46H.
Identifiers: ClinVar variation 884608 (VCV000884608.12), dbSNP rs751975987, ClinGen allele CA7297498.